The following is an entry in ClinVar:

NM_203447.4(DOCK8):c.4785+301A>G

Gene: DOCK8 (dedicator of cytokinesis 8; plus strand). Cytogenetic location: 9p24.3.
Variant type: single nucleotide variant.
Coding change: c.4785+301A>G on transcript NM_203447.4 (MANE Select); 301 bases into the intron after coding-DNA position 4785, A replaced by G.
Molecular consequence: intron variant.
Genome position (GRCh38, 1-based): chr9:432,625, A>G. VCF-style: chr9-432625-A-G. GRCh37 (hg19) VCF-style: chr9-432625-A-G.
Other names: c.4581+301A>G (NM_001193536.2); c.4485+301A>G (NM_001190458.2).
Identifiers: ClinVar variation 667682 (VCV000667682.1), dbSNP rs7042961, ClinGen allele CA13005034.
Genomic context (GRCh38, chr9:432,625, plus strand): 5'-GGAGGCAGTACAAGACAAGTGATACATAAGTGCAAACTGTGTGGTAAGGAGCTAAATGCT[A>G]TGGAAGGTTAGAGGAAGAGAGGTCGTGATCAATAAACAATCTGGTGGCCAGGAAAGCCTG-3'

ClinVar aggregate classification (germline): Benign (1 of 4 stars; one submission).

Allele frequency attached by ClinVar (database versions not stated): gnomAD 0.68874 and 0.69613; TOPMed 0.69057; 1000 Genomes Project 30x 0.70784; 1000 Genomes Project 0.71486.
gnomAD v4.1: 105,625 of 151,758 alleles (70%); highest among the groups gnomAD compares: East Asian, 98%; 38,120 homozygotes.

Submission:

GeneDx
Classification: Benign. Last evaluated: 2018-06-14. Review status: criteria provided, single submitter. Criteria: GeneDx Variant Classification (06012015). Collection method: clinical testing. Allele origin: germline. Affected: yes.
Comment: This variant is considered likely benign or benign based on one or more of the following criteria: it is a conservative change, it occurs at a poorly conserved position in the protein, it is predicted to be benign by multiple in silico algorithms, and/or has population frequency not consistent with disease.